The following is an entry in ClinVar:

NM_000275.3(OCA2):c.1239+1G>T

Gene: OCA2 (OCA2 melanosomal transmembrane protein; minus strand). Cytogenetic location: 15q13.1.
Variant type: single nucleotide variant.
Coding change: c.1239+1G>T on transcript NM_000275.3 (MANE Select); the canonical splice donor site of the intron after coding-DNA position 1239, G replaced by T.
Molecular consequence: splice donor variant.
Genome position (GRCh38, 1-based): chr15:27,986,586, C>A on the plus strand (G>T on the coding strand, the complement: OCA2 is on the minus strand). VCF-style: chr15-27986586-C-A. GRCh37 (hg19) VCF-style: chr15-28231732-C-A.
Other names: c.1167+1G>T (NM_001300984.2).
Identifiers: ClinVar variation 2758707 (VCV002758707.3), dbSNP rs2548350000, ClinGen allele CA391360744.
Genomic context (GRCh38, chr15:27,986,586, plus strand): 5'-TCAGAAAAATACATATATAAATTAATCAGGATAGAATTATTAAATGCAACATCATACCTA[C>A]CTTTACAGCACAATAATCGAAAAATCCCGTTTCTGAAAATATGGCTACTAAGATCATCTA-3'

ClinVar aggregate classification (germline): Likely pathogenic (1 of 4 stars; one submission).

Submission:

Labcorp Genetics (formerly Invitae), Labcorp
Classification: Likely pathogenic. Last evaluated: 2023-09-07. Review status: criteria provided, single submitter. Criteria: Invitae Variant Classification Sherloc (09022015). Collection method: clinical testing. Allele origin: germline.
Comment: Algorithms developed to predict the effect of sequence changes on RNA splicing suggest that this variant may disrupt the consensus splice site. This variant has not been reported in the literature in individuals affected with OCA2-related conditions. This variant is not present in population databases (gnomAD no frequency). This sequence change affects a donor splice site in intron 12 of the OCA2 gene. It is expected to disrupt RNA splicing. Variants that disrupt the donor or acceptor splice site typically lead to a loss of protein function (PMID: 16199547), and loss-of-function variants in OCA2 are known to be pathogenic (PMID: 19865097, 21541274). In summary, the currently available evidence indicates that the variant is pathogenic, but additional data are needed to prove that conclusively. Therefore, this variant has been classified as Likely Pathogenic.

Literature cited by the submitters: PubMed 16199547; PubMed 19865097; PubMed 21541274.